The following is an entry in ClinVar:

ClinVar aggregate classification (germline): Uncertain significance. Review status: criteria provided, multiple submitters, no conflicts (2 of 4 stars). 4 submissions from 4 submitters: Uncertain significance (3). 1 of the submissions does not count toward it. Last evaluated 2024-10-24.

Conditions:
POLE-related disorder. Also called: POLE-related disorders; POLE-related condition.
Hereditary cancer-predisposing syndrome. Also called: Neoplastic Syndromes, Hereditary; Tumor predisposition; Hereditary Cancer Syndrome; Hereditary neoplastic syndrome. Identifiers: Orphanet 140162, MedGen C0027672, MeSH D009386, MONDO:0015356.

Allele frequency attached by ClinVar (database versions not stated): gnomAD below 0.00001 and 0.00003; gnomAD exomes 0.00002 and 0.00004; ExAC 0.00004.

Submissions (4):

Labcorp Genetics (formerly Invitae), Labcorp
Classification: Uncertain significance. Last evaluated: 2024-10-24. Review status: criteria provided, single submitter. Criteria: Invitae Variant Classification Sherloc (09022015). Collection method: clinical testing. Allele origin: germline.
Comment: This sequence change replaces leucine, which is neutral and non-polar, with proline, which is neutral and non-polar, at codon 500 of the POLE protein (p.Leu500Pro). This variant is present in population databases (rs775457973, gnomAD 0.03%). This variant has not been reported in the literature in individuals affected with POLE-related conditions. ClinVar contains an entry for this variant (Variation ID: 473463). Invitae Evidence Modeling of protein sequence and biophysical properties (such as structural, functional, and spatial information, amino acid conservation, physicochemical variation, residue mobility, and thermodynamic stability) indicates that this missense variant is expected to disrupt POLE protein function with a positive predictive value of 80%. In summary, the available evidence is currently insufficient to determine the role of this variant in disease. Therefore, it has been classified as a Variant of Uncertain Significance.

GeneDx
Classification: Uncertain significance. Last evaluated: 2023-07-10. Review status: criteria provided, single submitter. Criteria: GeneDx Variant Classification Process June 2021. Collection method: clinical testing. Allele origin: germline. Affected: yes.
Comment: In silico analysis supports that this missense variant has a deleterious effect on protein structure/function; Has not been previously published as pathogenic or benign to our knowledge

Ambry Genetics
Classification: Uncertain significance for Hereditary cancer-predisposing syndrome. Last evaluated: 2021-11-09. Review status: criteria provided, single submitter. Criteria: Ambry Variant Classification Scheme 2023. Collection method: clinical testing. Allele origin: germline.
Comment: The p.L500P variant (also known as c.1499T>C), located in coding exon 15 of the POLE gene, results from a T to C substitution at nucleotide position 1499. The leucine at codon 500 is replaced by proline, an amino acid with similar properties. This amino acid position is conserved. In addition, this alteration is predicted to be deleterious by in silico analysis. Since supporting evidence is limited at this time, the clinical significance of this alteration remains unclear.

PreventionGenetics, part of Exact Sciences
Classification: Uncertain significance for POLE-related condition. Last evaluated: 2023-11-17. Review status: no assertion criteria provided. Collection method: clinical testing. Allele origin: germline. Not counted in ClinVar's aggregate classification.
Comment: The POLE c.1499T>C variant is predicted to result in the amino acid substitution p.Leu500Pro. To our knowledge, this variant has not been reported in the literature. This variant is reported in 0.033% of alleles in individuals of South Asian descent in gnomAD. It is interpreted as uncertain significance in ClinVar. At this time, the clinical significance of this variant is uncertain due to the absence of conclusive functional and genetic evidence.

NM_006231.4(POLE):c.1499T>C (p.Leu500Pro)

Gene: POLE (DNA polymerase epsilon, catalytic subunit; minus strand). Cytogenetic location: 12q24.33.
Variant type: single nucleotide variant.
Coding change: c.1499T>C on transcript NM_006231.4 (MANE Select); coding-DNA position 1499, T replaced by C.
Protein change: p.Leu500Pro; replaces leucine 500 with proline.
Molecular consequence: missense variant.
Genome position (GRCh38, 1-based): chr12:132,672,814, A>G on the plus strand (T>C on the coding strand, the complement: POLE is on the minus strand). VCF-style: chr12-132672814-A-G. GRCh37 (hg19) VCF-style: chr12-133249400-A-G.
Other names: short protein forms L500P.
Identifiers: ClinVar variation 473463 (VCV000473463.14), dbSNP rs775457973, ClinGen allele CA6893927.